The following is an entry in ClinVar:

ClinVar aggregate classification (germline): Likely benign (1 of 4 stars; one submission).

Allele frequency attached by ClinVar (database versions not stated): ExAC 0.00015; 1000 Genomes Project 30x 0.00016; 1000 Genomes Project 0.00020; gnomAD 0.00020; ESP Exome Variant Server 0.00023.
gnomAD v4.1: 489 of 1,613,666 alleles (0.03%); highest among the groups gnomAD compares: Non-Finnish European, 0.038%; no homozygotes.

Submission:

CeGaT Center for Human Genetics Tuebingen
Classification: Likely benign. Last evaluated: 2023-01-01. Review status: criteria provided, single submitter. Criteria: CeGaT Center For Human Genetics Tuebingen Variant Classification Criteria Version 2. Collection method: clinical testing. Allele origin: germline. Affected: yes. Observed: 1 variant allele.
Comment: CDH20: BP4, BP7

NM_031891.4(CDH20):c.327C>T (p.Ile109=)

Gene: CDH20 (cadherin 20; plus strand). Cytogenetic location: 18q21.33.
Variant type: single nucleotide variant.
Coding change: c.327C>T on transcript NM_031891.4 (MANE Select); coding-DNA position 327, C replaced by T.
Protein change: p.Ile109=; no amino-acid change (isoleucine 109 retained).
Molecular consequence: synonymous variant.
Genome position (GRCh38, 1-based): chr18:61,499,266, C>T. VCF-style: chr18-61499266-C-T. GRCh37 (hg19) VCF-style: chr18-59166499-C-T.
Identifiers: ClinVar variation 2648771 (VCV002648771.24), dbSNP rs140950106, ClinGen allele CA8981095.